The following is an entry in ClinVar:

ClinVar aggregate classification (germline): Likely benign. Review status: criteria provided, multiple submitters, no conflicts (2 of 4 stars). 2 submissions from 2 submitters: Likely benign (2). Last evaluated 2024-02-05.

Conditions:
Arrhythmogenic right ventricular dysplasia 10. Also called: ARRHYTHMOGENIC RIGHT VENTRICULAR DYSPLASIA, FAMILIAL, 10; Arrhythmogenic Right Ventricular Dysplasia/Cardiomyopathy10; Arrhythmogenic right ventricular dysplasia/cardiomyopathy, type 10. Identifiers: MedGen C1857777, MONDO:0012434, OMIM 610193.
Arrhythmogenic right ventricular cardiomyopathy (ARVD). Also called: Arrhythmogenic right ventricular dysplasia; Cardiomyopathy, ARVC; Arrhythmogenic cardiomyopathy; Arrhythmogenic Right Ventricular Cardiomyopathy (ARVC). Identifiers: Orphanet 247, MedGen C0349788, MeSH D019571, MONDO:0016587. Disease mechanism: loss of function. Inheritance: Various modes of inheritance.

Allele frequency attached by ClinVar (database versions not stated): TOPMed below 0.00001; gnomAD 0.00001.
gnomAD v4.1: 1 of 1,613,782 alleles (0.000062%); highest among the groups gnomAD compares: Non-Finnish European, 0.000085%; no homozygotes.

Submissions (2):

All of Us Research Program, National Institutes of Health
Classification: Likely benign for Arrhythmogenic right ventricular cardiomyopathy. Last evaluated: 2024-02-05. Review status: criteria provided, single submitter. Criteria: ACMG Guidelines, 2015. Collection method: clinical testing. Allele origin: germline. Inheritance: Autosomal dominant inheritance. Observed: 1 variant allele, 1 heterozygote.
Comment: This study involves interpretation of variants in research participants for the purpose of population health screening. Participant phenotype was not available at the time of variant classification. Additional details can be found in publication PMID: 35346344, PMCID: PMC8962531

Labcorp Genetics (formerly Invitae), Labcorp
Classification: Likely benign for Arrhythmogenic right ventricular dysplasia 10. Last evaluated: 2023-06-04. Review status: criteria provided, single submitter. Criteria: Invitae Variant Classification Sherloc (09022015). Collection method: clinical testing. Allele origin: germline.

NM_001943.5(DSG2):c.558A>G (p.Ala186=)

Gene: DSG2 (desmoglein 2; plus strand). Cytogenetic location: 18q12.1.
Variant type: single nucleotide variant.
Coding change: c.558A>G on transcript NM_001943.5 (MANE Select); coding-DNA position 558, A replaced by G.
Protein change: p.Ala186=; no amino-acid change (alanine 186 retained).
Molecular consequence: synonymous variant.
Genome position (GRCh38, 1-based): chr18:31,522,117, A>G. VCF-style: chr18-31522117-A-G. GRCh37 (hg19) VCF-style: chr18-29102080-A-G.
Identifiers: ClinVar variation 2995034 (VCV002995034.4), dbSNP rs1341794329, ClinGen allele CA503598099.